The following is an entry in ClinVar:

ClinVar aggregate classification (germline): Uncertain significance. Review status: criteria provided, multiple submitters, no conflicts (2 of 4 stars). 2 submissions from 2 submitters: Uncertain significance (2). Last evaluated 2023-08-04.

Allele frequency attached by ClinVar (database versions not stated): TOPMed below 0.00001.

Submissions (2):

Labcorp Genetics (formerly Invitae), Labcorp
Classification: Uncertain significance. Last evaluated: 2023-08-04. Review status: criteria provided, single submitter. Criteria: Invitae Variant Classification Sherloc (09022015). Collection method: clinical testing. Allele origin: germline.
Comment: In summary, the available evidence is currently insufficient to determine the role of this variant in disease. Therefore, it has been classified as a Variant of Uncertain Significance. Algorithms developed to predict the effect of sequence changes on RNA splicing suggest that this variant may disrupt the consensus splice site. ClinVar contains an entry for this variant (Variation ID: 1902672). This variant has not been reported in the literature in individuals affected with USH2A-related conditions. This variant is not present in population databases (gnomAD no frequency). This sequence change falls in intron 37 of the USH2A gene. It does not directly change the encoded amino acid sequence of the USH2A protein.

Blueprint Genetics
Classification: Uncertain significance. Last evaluated: 2022-07-14. Review status: criteria provided, single submitter. Criteria: ACMG Guidelines, 2015. Collection method: clinical testing. Allele origin: germline.

NM_206933.4(USH2A):c.7121-5A>G

Gene: USH2A (usherin; minus strand). Cytogenetic location: 1q41.
Variant type: single nucleotide variant.
Coding change: c.7121-5A>G on transcript NM_206933.4 (MANE Select); 5 bases into the intron before coding-DNA position 7121, A replaced by G.
Molecular consequence: intron variant.
Genome position (GRCh38, 1-based): chr1:215,934,800, T>C on the plus strand (A>G on the coding strand, the complement: USH2A is on the minus strand). VCF-style: chr1-215934800-T-C. GRCh37 (hg19) VCF-style: chr1-216108142-T-C.
Identifiers: ClinVar variation 1902672 (VCV001902672.6), dbSNP rs1317194759, ClinGen allele CA731435323.